The following is an entry in ClinVar:

ClinVar aggregate classification (germline): Uncertain significance. Review status: criteria provided, multiple submitters, no conflicts (2 of 4 stars). 2 submissions from 2 submitters: Uncertain significance (2). Last evaluated 2024-12-31.

Conditions:
Bardet-Biedl syndrome (BBS). Identifiers: Orphanet 110, MedGen C0752166, MONDO:0015229.
BBS9-related disorder. Also called: BBS9-related condition.

Allele frequency attached by ClinVar (database versions not stated): gnomAD exomes below 0.00001 and 0.00001; TOPMed below 0.00001; gnomAD 0.00001; ExAC 0.00002.
gnomAD v4.1: 5 of 1,614,088 alleles (0.00031%); highest among the groups gnomAD compares: Admixed American, 0.0083%; no homozygotes.

Submissions (2):

PreventionGenetics, part of Exact Sciences
Classification: Uncertain significance for BBS9-related condition. Last evaluated: 2024-12-31. Review status: criteria provided, single submitter. Criteria: ACMG Guidelines, 2015. Collection method: clinical testing. Allele origin: germline.
Comment: The BBS9 c.2373G>T variant is predicted to result in the amino acid substitution p.Gln791His. To our knowledge, this variant has not been reported in the literature. This variant is reported in 0.0058% of alleles in individuals of Latino descent in gnomAD. At this time, the clinical significance of this variant is uncertain due to the absence of conclusive functional and genetic evidence.

Labcorp Genetics (formerly Invitae), Labcorp
Classification: Uncertain significance for Bardet-Biedl syndrome. Last evaluated: 2021-08-27. Review status: criteria provided, single submitter. Criteria: Invitae Variant Classification Sherloc (09022015). Collection method: clinical testing. Allele origin: germline.

NM_198428.3(BBS9):c.2373G>T (p.Gln791His)

Gene: BBS9 (Bardet-Biedl syndrome 9; plus strand). Cytogenetic location: 7p14.3.
Variant type: single nucleotide variant.
Coding change: c.2373G>T on transcript NM_198428.3 (MANE Select); coding-DNA position 2373, G replaced by T.
Protein change: p.Gln791His; replaces glutamine 791 with histidine.
Molecular consequence: missense variant. On other transcripts: non-coding transcript variant (3).
Genome position (GRCh38, 1-based): chr7:33,534,028, G>T. VCF-style: chr7-33534028-G-T. GRCh37 (hg19) VCF-style: chr7-33573640-G-T.
Other names: c.2373G>T (NM_198428.2); c.1902G>T, p.Gln634His (NM_001348044.3); c.2007G>T, p.Gln669His (NM_001348045.3, NM_001348046.3); c.2373G>T, p.Gln791His (NM_001362679.1, NM_001348036.1, NM_001348041.4 and 1 more transcripts); c.2253G>T, p.Gln751His (NM_014451.4, NM_001348040.3); c.2268G>T, p.Gln756His (NM_001033604.2); c.2358G>T, p.Gln786His (NM_001033605.2); c.1824G>T, p.Gln608His (NM_001348037.3); and 3 more; short protein forms Q700H, Q608H, Q665H, Q746H, Q786H, Q669H, Q634H, Q751H.
Identifiers: ClinVar variation 1037430 (VCV001037430.6), dbSNP rs758968522, ClinGen allele CA4214672.